The following is an entry in ClinVar:

ClinVar aggregate classification (germline): Uncertain significance (1 of 4 stars; one submission).

Submission:

Dasa
Classification: Uncertain significance. Last evaluated: 2025-10-15. Review status: criteria provided, single submitter. Criteria: DASA Assertion Criteria. Collection method: clinical testing. Allele origin: germline.
Comment: NM_004525.3(LRP2):c.13153C>A (p.His4385Asn) is a missense variant that results in the substitution of histidine with asparagine. This variant is absent from population databases. Computational prediction algorithms are consistent with a benign effect. The currently available literature and clinical evidence are not sufficient to establish a definitive association between this variant and the reported condition. Therefore, this variant is classified as a variant of uncertain significance.

NM_004525.3(LRP2):c.13153C>A (p.His4385Asn)

Gene: LRP2 (LDL receptor related protein 2; minus strand). Cytogenetic location: 2q31.1.
Variant type: single nucleotide variant.
Coding change: c.13153C>A on transcript NM_004525.3 (MANE Select); coding-DNA position 13153, C replaced by A.
Protein change: p.His4385Asn; replaces histidine 4385 with asparagine.
Molecular consequence: missense variant.
Genome position (GRCh38, 1-based): chr2:169,140,501, G>T on the plus strand (C>A on the coding strand, the complement: LRP2 is on the minus strand). VCF-style: chr2-169140501-G-T. GRCh37 (hg19) VCF-style: chr2-169997011-G-T.
Other names: short protein forms H4385N.
Identifiers: ClinVar variation 4885278 (VCV004885278.2).
Genomic context (GRCh38, chr2:169,140,501, plus strand): 5'-ACATTCAGACTTACTTGCATTTGGGGAGGTCAGTCTCATCAAAATAGCAATTTCCTCCGT[G>T]CATGCACCTGCATGGGGGGGGCAGGTTGATAGGCAGTTCGATGGCTGCAGGAAGGGAAAG-3'
Protein context (NP_004516.2, residues 4375-4395): INLPPPCRCM[His4385Asn]GGNCYFDETD